The following is an entry in ClinVar:

ClinVar aggregate classification (germline): Uncertain significance (1 of 4 stars; one submission).

gnomAD v4.1: 1 of 1,549,326 alleles (0.000065%); highest among the groups gnomAD compares: Non-Finnish European, 0.000087%; no homozygotes.

Submission:

Labcorp Genetics (formerly Invitae), Labcorp
Classification: Uncertain significance. Last evaluated: 2025-04-23. Review status: criteria provided, single submitter. Criteria: Invitae Variant Classification Sherloc (09022015). Collection method: clinical testing. Allele origin: germline.
Comment: This sequence change replaces methionine, which is neutral and non-polar, with valine, which is neutral and non-polar, at codon 363 of the SETD5 protein (p.Met363Val). This variant is not present in population databases (gnomAD no frequency). This variant has not been reported in the literature in individuals affected with SETD5-related conditions. Invitae Evidence Modeling of protein sequence and biophysical properties (such as structural, functional, and spatial information, amino acid conservation, physicochemical variation, residue mobility, and thermodynamic stability) indicates that this missense variant is not expected to disrupt SETD5 protein function with a negative predictive value of 80%. In summary, the available evidence is currently insufficient to determine the role of this variant in disease. Therefore, it has been classified as a Variant of Uncertain Significance.

NM_001080517.3(SETD5):c.1087A>G (p.Met363Val)

Gene: SETD5 (SET domain containing 5; plus strand). Cytogenetic location: 3p25.3.
Variant type: single nucleotide variant.
Coding change: c.1087A>G on transcript NM_001080517.3 (MANE Select); coding-DNA position 1087, A replaced by G.
Protein change: p.Met363Val; replaces methionine 363 with valine.
Molecular consequence: missense variant.
Genome position (GRCh38, 1-based): chr3:9,443,317, A>G. VCF-style: chr3-9443317-A-G. GRCh37 (hg19) VCF-style: chr3-9485001-A-G.
Other names: c.793A>G, p.Met265Val (NM_001292043.2, NM_001349451.2); c.1183A>G, p.Met395Val (NM_001437633.1); c.1144A>G, p.Met382Val (NM_001437635.1); c.1087A>G, p.Met363Val (NM_001437643.1); c.1126A>G, p.Met376Val (NM_001437701.1); short protein forms M265V, M363V, M376V, M382V, M395V.
Identifiers: ClinVar variation 4807426 (VCV004807426.1).